The following is an entry in ClinVar:

NM_001297.5(CNGB1):c.781C>A (p.His261Asn)

Gene: CNGB1 (cyclic nucleotide gated channel subunit beta 1; minus strand). Cytogenetic location: 16q21.
Variant type: single nucleotide variant.
Coding change: c.781C>A on transcript NM_001297.5 (MANE Select); coding-DNA position 781, C replaced by A.
Protein change: p.His261Asn; replaces histidine 261 with asparagine.
Molecular consequence: missense variant.
Genome position (GRCh38, 1-based): chr16:57,958,466, G>T on the plus strand (C>A on the coding strand, the complement: CNGB1 is on the minus strand). VCF-style: chr16-57958466-G-T. GRCh37 (hg19) VCF-style: chr16-57992370-G-T.
Other names: c.781C>A, p.His261Asn (NM_001135639.2); c.763C>A, p.His255Asn (NM_001286130.2); short protein forms H255N, H261N.
Identifiers: ClinVar variation 1950340 (VCV001950340.2), dbSNP rs1468672836, ClinGen allele CA396076763.

ClinVar aggregate classification (germline): Uncertain significance (1 of 4 stars; one submission).

Allele frequency attached by ClinVar (database versions not stated): gnomAD 0.00001; TOPMed 0.00001.
gnomAD v4.1: 1 of 1,614,036 alleles (0.000062%); highest among the groups gnomAD compares: Non-Finnish European, 0.000085%; no homozygotes.

Submission:

Labcorp Genetics (formerly Invitae), Labcorp
Classification: Uncertain significance. Last evaluated: 2022-05-19. Review status: criteria provided, single submitter. Criteria: Invitae Variant Classification Sherloc (09022015). Collection method: clinical testing. Allele origin: germline.
Comment: This sequence change replaces histidine, which is basic and polar, with asparagine, which is neutral and polar, at codon 261 of the CNGB1 protein (p.His261Asn). This variant is present in population databases (no rsID available, gnomAD 0.0009%). This variant has not been reported in the literature in individuals affected with CNGB1-related conditions. Advanced modeling of protein sequence and biophysical properties (such as structural, functional, and spatial information, amino acid conservation, physicochemical variation, residue mobility, and thermodynamic stability) performed at Invitae indicates that this missense variant is not expected to disrupt CNGB1 protein function. In summary, the available evidence is currently insufficient to determine the role of this variant in disease. Therefore, it has been classified as a Variant of Uncertain Significance.